The following is an entry in ClinVar:

ClinVar aggregate classification (germline): Likely benign (1 of 4 stars; one submission).

Allele frequency attached by ClinVar (database versions not stated): ExAC 0.00005; TOPMed 0.00005; ESP Exome Variant Server 0.00015; gnomAD 0.00006; gnomAD exomes 0.00004.
gnomAD v4.1: 69 of 1,614,070 alleles (0.0043%); highest among the groups gnomAD compares: Non-Finnish European, 0.0053%; no homozygotes.

Submission:

CeGaT Center for Human Genetics Tuebingen
Classification: Likely benign. Last evaluated: 2025-10-01. Review status: criteria provided, single submitter. Criteria: CeGaT Center For Human Genetics Tuebingen Variant Classification Criteria Version 2. Collection method: clinical testing. Allele origin: germline. Affected: yes. Observed: 4 variant alleles.
Comment: VPS16: BP4, BP7

NM_022575.4(VPS16):c.1737G>A (p.Leu579=)

Genes: PTPRA (protein tyrosine phosphatase receptor type A; plus strand), VPS16 (VPS16 core subunit of CORVET and HOPS complexes; plus strand). Cytogenetic location: 20p13.
Variant type: single nucleotide variant.
Coding change: c.1737G>A on transcript NM_022575.4 (MANE Select); coding-DNA position 1737, G replaced by A.
Protein change: p.Leu579=; no amino-acid change (leucine 579 retained).
Molecular consequence: synonymous variant. On other transcripts: 5 prime UTR variant (1).
Genome position (GRCh38, 1-based): chr20:2,864,381, G>A. VCF-style: chr20-2864381-G-A. GRCh37 (hg19) VCF-style: chr20-2845027-G-A.
Other names: c.-566G>A (NM_002836.4); c.1305G>A, p.Leu435= (NM_080413.3).
Identifiers: ClinVar variation 3250864 (VCV003250864.17), dbSNP rs372849166.